The following is an entry in ClinVar:

NM_058216.3(RAD51C):c.1060G>A (p.Ala354Thr)

Gene: RAD51C (RAD51 paralog C; plus strand). Cytogenetic location: 17q22.
Variant type: single nucleotide variant.
Coding change: c.1060G>A on transcript NM_058216.3 (MANE Select); coding-DNA position 1060, G replaced by A.
Protein change: p.Ala354Thr; replaces alanine 354 with threonine.
Molecular consequence: missense variant. On other transcripts: non-coding transcript variant (1).
Genome position (GRCh38, 1-based): chr17:58,734,151, G>A. VCF-style: chr17-58734151-G-A. GRCh37 (hg19) VCF-style: chr17-56811512-G-A.
Other names: short protein forms A354T.
Identifiers: ClinVar variation 409846 (VCV000409846.14), dbSNP rs1060502590, ClinGen allele CA16615468.

ClinVar aggregate classification (germline): Conflicting classifications of pathogenicity. Review status: criteria provided, conflicting classifications (1 of 4 stars). 2 submissions from 2 submitters: Uncertain significance (1); Likely benign (1). Last evaluated 2024-10-09.

Conditions:
Hereditary cancer-predisposing syndrome. Also called: Hereditary neoplastic syndrome; Neoplastic Syndromes, Hereditary; Tumor predisposition; Hereditary Cancer Syndrome. Identifiers: Orphanet 140162, MedGen C0027672, MeSH D009386, MONDO:0015356.
Fanconi anemia complementation group O. Also called: RAD51C-Related Fanconi Anemia. Identifiers: Orphanet 84, MedGen C3150653, MONDO:0013248, OMIM 613390.

Submissions (2):

Labcorp Genetics (formerly Invitae), Labcorp
Classification: Uncertain significance for Fanconi anemia complementation group O. Last evaluated: 2024-10-09. Review status: criteria provided, single submitter. Criteria: Invitae Variant Classification Sherloc (09022015). Collection method: clinical testing. Allele origin: germline.
Comment: This sequence change replaces alanine, which is neutral and non-polar, with threonine, which is neutral and polar, at codon 354 of the RAD51C protein (p.Ala354Thr). This variant is not present in population databases (gnomAD no frequency). This variant has not been reported in the literature in individuals affected with RAD51C-related conditions. ClinVar contains an entry for this variant (Variation ID: 409846). An algorithm developed to predict the effect of missense changes on protein structure and function (PolyPhen-2) suggests that this variant is likely to be tolerated. In summary, the available evidence is currently insufficient to determine the role of this variant in disease. Therefore, it has been classified as a Variant of Uncertain Significance.

Ambry Genetics
Classification: Likely benign for Hereditary cancer-predisposing syndrome. Last evaluated: 2024-02-26. Review status: criteria provided, single submitter. Criteria: Ambry Variant Classification Scheme 2023. Collection method: clinical testing. Allele origin: germline.